The following is an entry in ClinVar:

NM_007194.4(CHEK2):c.919_920dup (p.Leu309fs)

Gene: CHEK2 (checkpoint kinase 2; minus strand). Cytogenetic location: 22q12.1.
Variant type: Duplication.
Coding change: c.919_920dup on transcript NM_007194.4 (MANE Select); coding-DNA positions 919 to 920, 2 bases duplicated (GG; older notation c.919_920dupGG).
Protein change: p.Leu309fs; shifts the reading frame from leucine 309.
Molecular consequence: frameshift variant.
Genome position (GRCh38, 1-based): chr22:28,699,926-28,699,927, CC duplicated on the plus strand (GG on the coding strand, the reverse complement: CHEK2 is on the minus strand); duplicating any 2 consecutive bases within chr22:28,699,926-28,699,930 gives the same sequence; the c. name uses the placement nearest the transcript's 3' end. VCF-style (leftmost placement, unchanged base first): chr22-28699925-T-TCC. GRCh37 (hg19) VCF-style: chr22-29095913-T-TCC.
Other names: c.1045_1046dup, p.Leu352Serfs (NM_001005735.3); c.253_254dup, p.Leu88Serfs (NM_001257387.3); c.715_716dup, p.Leu242Serfs (NM_001349956.3); c.916_917dup, p.Leu309Serfs (NM_145862.3); short protein forms L242fs, L309fs, L352fs, L88fs.
Identifiers: ClinVar variation 2583346 (VCV002583346.3), dbSNP rs786203053, ClinGen allele CA2582342818.

ClinVar aggregate classification (germline): Pathogenic/Likely pathogenic. Review status: criteria provided, multiple submitters, no conflicts (2 of 4 stars). 2 submissions from 2 submitters: Pathogenic (1); Likely pathogenic (1). Last evaluated 2024-03-06.

Conditions:
Familial cancer of breast. Also called: Hereditary breast cancer; BREAST CANCER, FAMILIAL; hereditary breast carcinoma. Identifiers: Orphanet 227535, MedGen C0346153, MONDO:0016419, OMIM 114480. Disease mechanism: loss of function.

Submissions (2):

Baylor Genetics
Classification: Likely pathogenic for Familial cancer of breast. Last evaluated: 2024-03-06. Review status: criteria provided, single submitter. Criteria: ACMG Guidelines, 2015. Collection method: clinical testing. Allele origin: unknown.

Myriad Genetics, Inc.
Classification: Pathogenic for Familial cancer of breast. Last evaluated: 2023-06-27. Review status: criteria provided, single submitter. Criteria: Myriad Autosomal Dominant, Autosomal Recessive and X-Linked Classification Criteria (2023). Collection method: clinical testing. Allele origin: unknown.
Comment: This variant is considered pathogenic. This variant creates a frameshift predicted to result in premature protein truncation.